The following is an entry in ClinVar:

NM_001130987.2(DYSF):c.6174G>A (p.Arg2058=)

Gene: DYSF (dysferlin; plus strand). Cytogenetic location: 2p13.2.
Variant type: single nucleotide variant.
Coding change: c.6174G>A on transcript NM_001130987.2 (MANE Select); coding-DNA position 6174, G replaced by A.
Protein change: p.Arg2058=; no amino-acid change (arginine 2058 retained).
Molecular consequence: synonymous variant.
Genome position (GRCh38, 1-based): chr2:71,682,530, G>A. VCF-style: chr2-71682530-G-A. GRCh37 (hg19) VCF-style: chr2-71909660-G-A.
Other names: p.Arg2019=; c.6060G>A, p.Arg2020= (NM_001130455.2); c.6015G>A, p.Arg2005= (NM_001130976.2); c.6078G>A, p.Arg2026= (NM_001130977.2); c.6120G>A, p.Arg2040= (NM_001130978.2); c.6150G>A, p.Arg2050= (NM_001130979.2); c.6108G>A, p.Arg2036= (NM_001130980.2); c.6171G>A, p.Arg2057= (NM_001130981.2); and 6 more.
Identifiers: ClinVar variation 197967 (VCV000197967.72), dbSNP rs143762717, ClinGen allele CA246386.

ClinVar aggregate classification (germline): Conflicting classifications of pathogenicity. Review status: criteria provided, conflicting classifications (1 of 4 stars). 13 submissions from 13 submitters: Uncertain significance (5); Likely benign (6). 2 of the submissions do not count toward it. Last evaluated 2026-01-25.

Conditions:
DYSF-related disorder. Also called: DYSF-related condition; DYSF-related disorders.
Inborn genetic diseases. Identifiers: MedGen C0950123, MeSH D030342.
Neuromuscular disease caused by qualitative or quantitative defects of dysferlin. Also called: Dysferlinopathy; Qualitative or quantitative defects of dysferlin. Identifiers: Orphanet 207073, MedGen C2931687, MONDO:0016145.
Autosomal recessive limb-girdle muscular dystrophy type 2B (LGMDR2). Also called: Limb-girdle muscular dystrophy, type 2B; MUSCULAR DYSTROPHY, LIMB-GIRDLE, TYPE 3; MUSCULAR DYSTROPHY, LIMB-GIRDLE, AUTOSOMAL RECESSIVE 2; Limb-Girdle Muscular Dystrophy Type 2B (LGMD2B). Identifiers: Orphanet 268, MedGen C1850889, MONDO:0009676, OMIM 253601.

Allele frequency attached by ClinVar (database versions not stated): 1000 Genomes Project 30x 0.00016; 1000 Genomes Project 0.00020; ExAC 0.00044; gnomAD 0.00044 and 0.00047; gnomAD exomes 0.00049 and 0.00091; TOPMed 0.00054; ESP Exome Variant Server 0.00069.
gnomAD v4.1: 1,435 of 1,614,068 alleles (0.089%); highest among the groups gnomAD compares: Non-Finnish European, 0.11%; 1 homozygote.

Submissions (13):

Labcorp Genetics (formerly Invitae), Labcorp
Classification: Likely benign for Neuromuscular disease caused by qualitative or quantitative defects of dysferlin. Last evaluated: 2026-01-25. Review status: criteria provided, single submitter. Criteria: Invitae Variant Classification Sherloc (09022015). Collection method: clinical testing. Allele origin: germline.

Mayo Clinic Laboratories, Mayo Clinic
Classification: Likely benign. Last evaluated: 2025-07-14. Review status: criteria provided, single submitter. Criteria: ACMG Guidelines, 2015. Collection method: clinical testing. Allele origin: germline. Observed: 3 variant alleles.
Comment: BP4, BP7

Blueprint Genetics
Classification: Likely benign. Last evaluated: 2024-11-22. Review status: criteria provided, single submitter. Criteria: ACMG Guidelines, 2015. Collection method: clinical testing. Allele origin: germline.

Revvity Omics, Revvity
Classification: Likely benign. Last evaluated: 2023-07-12. Review status: criteria provided, single submitter. Criteria: ACMG Guidelines, 2015. Collection method: clinical testing. Allele origin: germline.

Ambry Genetics
Classification: Likely benign for Inborn genetic diseases. Last evaluated: 2023-05-23. Review status: criteria provided, single submitter. Criteria: Ambry Variant Classification Scheme 2023. Collection method: clinical testing. Allele origin: germline.

Athena Diagnostics
Classification: Uncertain significance. Last evaluated: 2021-10-29. Review status: criteria provided, single submitter. Criteria: Athena Diagnostics Criteria. Collection method: clinical testing. Allele origin: unknown.

GeneDx
Classification: Likely benign. Last evaluated: 2020-10-23. Review status: criteria provided, single submitter. Criteria: GeneDx Variant Classification Process June 2021. Collection method: clinical testing. Allele origin: germline. Affected: yes.

CeGaT Center for Human Genetics Tuebingen
Classification: Uncertain significance. Last evaluated: 2018-12-01. Review status: criteria provided, single submitter. Criteria: CeGaT Center For Human Genetics Tuebingen Variant Classification Criteria Version 2. Collection method: clinical testing. Allele origin: germline. Affected: yes. Observed: 1 variant allele.

Illumina Laboratory Services, Illumina
Classification: Uncertain significance for Qualitative or quantitative defects of dysferlin. Last evaluated: 2018-01-13. Review status: criteria provided, single submitter. Criteria: ICSL Variant Classification Criteria 13 December 2019. Collection method: clinical testing. Allele origin: germline.

Eurofins Ntd Llc (ga)
Classification: Uncertain significance. Last evaluated: 2017-08-22. Review status: criteria provided, single submitter. Criteria: EGL Classification Definitions 2015. Collection method: clinical testing. Allele origin: germline. Observed: 6 variant alleles, 6 heterozygotes.

Kids Neuroscience Centre, Sydney Children's Hospitals Network
Classification: Uncertain significance for Autosomal recessive limb-girdle muscular dystrophy type 2B. Review status: criteria provided, single submitter. Criteria: Bournazos AM et al. (Genet Med 2021). Collection method: provider interpretation, clinical testing. Allele origin: maternal, unknown. Inheritance: Autosomal recessive inheritance. Affected: yes and no. Observed: 2 heterozygotes.
Comment: No evidence that the c.6057G>A variant affects the splicing of DYSF mRNA. This variant is synonymous p.(Arg2019=) and is not predicted to impact the DYSF protein.

PreventionGenetics, part of Exact Sciences
Classification: Likely benign for DYSF-related condition. Last evaluated: 2020-09-14. Review status: no assertion criteria provided. Collection method: clinical testing. Allele origin: germline. Not counted in ClinVar's aggregate classification.
Comment: This variant is classified as likely benign based on ACMG/AMP sequence variant interpretation guidelines (Richards et al. 2015 PMID: 25741868, with internal and published modifications).

Natera, Inc.
Classification: Likely benign for Limb-girdle muscular dystrophy type 2B. Last evaluated: 2020-06-13. Review status: no assertion criteria provided. Collection method: clinical testing. Allele origin: germline. Not counted in ClinVar's aggregate classification.

Literature cited by the submitters: PubMed 34906502 (cited by Mayo Clinic Laboratories, Mayo Clinic); PubMed 35948506 (cited by Mayo Clinic Laboratories, Mayo Clinic).